The following is an entry in ClinVar:

ClinVar aggregate classification (germline): Uncertain significance (1 of 4 stars; one submission).

gnomAD v4.1: 2 of 1,604,606 alleles (0.00012%); highest among the groups gnomAD compares: Non-Finnish European, 0.00017%; no homozygotes.

Submission:

Labcorp Genetics (formerly Invitae), Labcorp
Classification: Uncertain significance. Last evaluated: 2022-01-10. Review status: criteria provided, single submitter. Criteria: Invitae Variant Classification Sherloc (09022015). Collection method: clinical testing. Allele origin: germline.
Comment: In summary, the available evidence is currently insufficient to determine the role of this variant in disease. Therefore, it has been classified as a Variant of Uncertain Significance. Algorithms developed to predict the effect of missense changes on protein structure and function are either unavailable or do not agree on the potential impact of this missense change (SIFT: "Not Available"; PolyPhen-2: "Benign"; Align-GVGD: "Not Available"). This variant has not been reported in the literature in individuals affected with C9-related conditions. This variant is not present in population databases (gnomAD no frequency). This sequence change replaces histidine, which is basic and polar, with leucine, which is neutral and non-polar, at codon 384 of the C9 protein (p.His384Leu).

NM_001737.5(C9):c.1151A>T (p.His384Leu)

Gene: C9 (complement C9; minus strand). Cytogenetic location: 5p13.1.
Variant type: single nucleotide variant.
Coding change: c.1151A>T on transcript NM_001737.5 (MANE Select); coding-DNA position 1151, A replaced by T.
Protein change: p.His384Leu; replaces histidine 384 with leucine.
Molecular consequence: missense variant.
Genome position (GRCh38, 1-based): chr5:39,308,319, T>A on the plus strand (A>T on the coding strand, the complement: C9 is on the minus strand). VCF-style: chr5-39308319-T-A. GRCh37 (hg19) VCF-style: chr5-39308421-T-A.
Other names: short protein forms H384L.
Identifiers: ClinVar variation 1906044 (VCV001906044.5), dbSNP rs1011715944, ClinGen allele CA117170980.
Genomic context (GRCh38, chr5:39,308,319, plus strand): 5'-TCATCTTTATTAAATTCAGCTCCAACAGAGATTTCAGAGAAAGCCAGAGATACATCCAGA[T>A]GATACCCAAGGCATCTCTTTATGTCTTTTAGTTCAACACCTGTTTAATGAATTTATTTGA-3'
Protein context (NP_001728.1, residues 374-394): LKDIKRCLGY[His384Leu]LDVSLAFSEI